The following is an entry in ClinVar:

NM_002184.4(IL6ST):c.1187A>G (p.Tyr396Cys)

Gene: IL6ST (interleukin 6 cytokine family signal transducer; minus strand). Cytogenetic location: 5q11.2.
Variant type: single nucleotide variant.
Coding change: c.1187A>G on transcript NM_002184.4 (MANE Select); coding-DNA position 1187, A replaced by G.
Protein change: p.Tyr396Cys; replaces tyrosine 396 with cysteine.
Molecular consequence: missense variant. On other transcripts: 3 prime UTR variant (1), non-coding transcript variant (2).
Genome position (GRCh38, 1-based): chr5:55,956,105, T>C on the plus strand (A>G on the coding strand, the complement: IL6ST is on the minus strand). VCF-style: chr5-55956105-T-C. GRCh37 (hg19) VCF-style: chr5-55251933-T-C.
Other names: c.1187A>G, p.Tyr396Cys (NM_001190981.2, NM_001364275.2); c.977A>G, p.Tyr326Cys (NM_001364276.2); c.320A>G, p.Tyr107Cys (NM_001364277.2); c.284A>G, p.Tyr95Cys (NM_001364278.2); c.191A>G, p.Tyr64Cys (NM_001364279.2); c.*114A>G (NM_175767.3); short protein forms Y107C, Y326C, Y396C, Y64C, Y95C.
Identifiers: ClinVar variation 3619713 (VCV003619713.2).

ClinVar aggregate classification (germline): Uncertain significance (1 of 4 stars; one submission).

gnomAD v4.1: 4 of 1,613,078 alleles (0.00025%); highest among the groups gnomAD compares: African/African-American, 0.0013%; no homozygotes.

Submission:

Labcorp Genetics (formerly Invitae), Labcorp
Classification: Uncertain significance. Last evaluated: 2024-12-03. Review status: criteria provided, single submitter. Criteria: Invitae Variant Classification Sherloc (09022015). Collection method: clinical testing. Allele origin: germline.
Comment: This sequence change replaces tyrosine, which is neutral and polar, with cysteine, which is neutral and slightly polar, at codon 396 of the IL6ST protein (p.Tyr396Cys). This variant is not present in population databases (gnomAD no frequency). This variant has not been reported in the literature in individuals affected with IL6ST-related conditions. An algorithm developed to predict the effect of missense changes on protein structure and function (PolyPhen-2) suggests that this variant is likely to be tolerated. In summary, the available evidence is currently insufficient to determine the role of this variant in disease. Therefore, it has been classified as a Variant of Uncertain Significance.